The following is an entry in ClinVar:

NM_177924.5(ASAH1):c.994G>C (p.Asp332His)

Gene: ASAH1 (N-acylsphingosine amidohydrolase 1; minus strand). Cytogenetic location: 8p22.
Variant type: single nucleotide variant.
Coding change: c.994G>C on transcript NM_177924.5 (MANE Select); coding-DNA position 994, G replaced by C.
Protein change: p.Asp332His; replaces aspartic acid 332 with histidine.
Molecular consequence: missense variant.
Genome position (GRCh38, 1-based): chr8:18,059,388, C>G on the plus strand (G>C on the coding strand, the complement: ASAH1 is on the minus strand). VCF-style: chr8-18059388-C-G. GRCh37 (hg19) VCF-style: chr8-17916897-C-G.
Other names: c.976G>C, p.Asp326His (NM_001127505.3); c.799G>C, p.Asp267His (NM_001363743.2); c.1042G>C, p.Asp348His (NM_004315.6); short protein forms D332H, D348H, D267H, D326H.
Identifiers: ClinVar variation 373542 (VCV000373542.6), dbSNP rs941670381, ClinGen allele CA16042634.

ClinVar aggregate classification (germline): Conflicting classifications of pathogenicity. Review status: criteria provided, conflicting classifications (1 of 4 stars). 3 submissions from 3 submitters: Likely pathogenic (2); Uncertain significance (1). Last evaluated 2024-09-21.

gnomAD v4.1: 2 of 1,614,186 alleles (0.00012%); highest among the groups gnomAD compares: Admixed American, 0.0017%; no homozygotes.

Submissions (3):

Labcorp Genetics (formerly Invitae), Labcorp
Classification: Likely pathogenic. Last evaluated: 2024-09-21. Review status: criteria provided, single submitter. Criteria: Invitae Variant Classification Sherloc (09022015). Collection method: clinical testing. Allele origin: germline.
Comment: This sequence change replaces aspartic acid, which is acidic and polar, with histidine, which is basic and polar, at codon 332 of the ASAH1 protein (p.Asp332His). This variant is present in population databases (no rsID available, gnomAD 0.003%). This missense change has been observed in individual(s) with Farber disease (PMID: 32449975; internal data). In at least one individual the data is consistent with being in trans (on the opposite chromosome) from a pathogenic variant. ClinVar contains an entry for this variant (Variation ID: 373542). Invitae Evidence Modeling of protein sequence and biophysical properties (such as structural, functional, and spatial information, amino acid conservation, physicochemical variation, residue mobility, and thermodynamic stability) indicates that this missense variant is not expected to disrupt ASAH1 protein function with a negative predictive value of 80%. In summary, the currently available evidence indicates that the variant is pathogenic, but additional data are needed to prove that conclusively. Therefore, this variant has been classified as Likely Pathogenic.

Revvity Omics, Revvity
Classification: Uncertain significance. Last evaluated: 2019-06-13. Review status: criteria provided, single submitter. Criteria: ACMG Guidelines, 2015. Collection method: clinical testing. Allele origin: germline.

GeneDx
Classification: Likely pathogenic. Last evaluated: 2016-12-14. Review status: criteria provided, single submitter. Criteria: GeneDx Variant Classification (06012015). Collection method: clinical testing. Allele origin: germline. Affected: yes.
Comment: The D332H variant in the ASAH1 gene has not been reported previously as a pathogenic variant, nor as a benign variant, to our knowledge. The D332H variant was not observed in approximately 6500 individuals of European and African American ancestry in the NHLBI Exome Sequencing Project, indicating it is not a common benign variant in these populations. The D332H variant is a non-conservative amino acid substitution, which is likely to impact secondary protein structure as these residues differ in polarity, charge, size and/or other properties. This substitution occurs at a position that is not conserved. In silico analysis predicts this variant is probably damaging to the protein structure/function. As an alternate mechanism, multiple in silico algorithms predict that c.994 G>C (aka D332H) might create or enhance a cryptic acceptor site in exon 12. However, in the absence of RNA/functional studies, the actual effect of c.994 G>C in this individual is unknown. Missense variants in nearby residues (D331N, R333G, R333H) have been reported in the Human Gene Mutation Database in association with Farber disease (Stenson et al., 2014), supporting the functional importance of this region of the protein. The D332H variant is a strong candidate for a pathogenic variant

Literature cited by the submitters: PubMed 32449975 (cited by Labcorp Genetics (formerly Invitae), Labcorp).